The following is an entry in ClinVar:

ClinVar aggregate classification (germline): Benign (1 of 4 stars; one submission).

Conditions:
Brachydactyly. Also called: Brachydactyly syndrome; Brachydactyly (disease). Identifiers: MedGen C0221357, MONDO:0021004, HP:0001156.

Allele frequency attached by ClinVar (database versions not stated): gnomAD 0.00125 and 0.00126; 1000 Genomes Project 0.00140; 1000 Genomes Project 30x 0.00156; TOPMed 0.00186.

Submission:

Illumina Laboratory Services, Illumina
Classification: Benign for Brachydactyly. Last evaluated: 2018-01-12. Review status: criteria provided, single submitter. Criteria: ICSL Variant Classification Criteria 13 December 2019. Collection method: clinical testing. Allele origin: germline.
Comment: This variant was observed in the ICSL laboratory as part of a predisposition screen in an ostensibly healthy population. It had not been previously curated by ICSL or reported in the Human Gene Mutation Database (HGMD: prior to June 1st, 2018), and was therefore a candidate for classification through an automated scoring system. Utilizing variant allele frequency, disease prevalence and penetrance estimates, and inheritance mode, an automated score was calculated to assess if this variant is too frequent to cause the disease. Based on the score and internal cut-off values, a variant classified as benign is not then subjected to further curation. The score for this variant resulted in a classification of benign for this disease.

NM_001203.3(BMPR1B):c.*860T>C

Gene: BMPR1B (bone morphogenetic protein receptor type 1B; plus strand). Cytogenetic location: 4q22.3.
Variant type: single nucleotide variant.
Coding change: c.*860T>C on transcript NM_001203.3 (MANE Select); 860 bases downstream of the stop codon, T replaced by C.
Molecular consequence: 3 prime UTR variant.
Genome position (GRCh38, 1-based): chr4:95,155,533, T>C. VCF-style: chr4-95155533-T-C. GRCh37 (hg19) VCF-style: chr4-96076684-T-C.
Other names: c.*860T>C (NM_001256792.2, NM_001256793.2, NM_001256794.1).
Identifiers: ClinVar variation 350146 (VCV000350146.5), dbSNP rs188311185, ClinGen allele CA10618662.